The following is an entry in ClinVar:

ClinVar aggregate classification (germline): Uncertain significance. Review status: criteria provided, multiple submitters, no conflicts (2 of 4 stars). 2 submissions from 2 submitters: Uncertain significance (2). Last evaluated 2024-02-13.

Allele frequency attached by ClinVar (database versions not stated): TOPMed 0.00001; ExAC 0.00002; gnomAD 0.00002; gnomAD exomes 0.00002; ESP Exome Variant Server 0.00008.

Submissions (2):

Blueprint Genetics
Classification: Uncertain significance. Last evaluated: 2024-02-13. Review status: criteria provided, single submitter. Criteria: ACMG Guidelines, 2015. Collection method: clinical testing. Allele origin: germline.

Labcorp Genetics (formerly Invitae), Labcorp
Classification: Uncertain significance. Last evaluated: 2022-05-19. Review status: criteria provided, single submitter. Criteria: Invitae Variant Classification Sherloc (09022015). Collection method: clinical testing. Allele origin: germline.
Comment: This variant has not been reported in the literature in individuals affected with ABHD12-related conditions. In summary, the available evidence is currently insufficient to determine the role of this variant in disease. Therefore, it has been classified as a Variant of Uncertain Significance. Variants that disrupt the consensus splice site are a relatively common cause of aberrant splicing (PMID: 17576681, 9536098). Algorithms developed to predict the effect of sequence changes on RNA splicing suggest that this variant is not likely to affect RNA splicing. This variant is present in population databases (rs375585952, gnomAD 0.004%). This sequence change falls in intron 6 of the ABHD12 gene. It does not directly change the encoded amino acid sequence of the ABHD12 protein. It affects a nucleotide within the consensus splice site.

Literature cited by the submitters: PubMed 17576681 (cited by Labcorp Genetics (formerly Invitae), Labcorp); PubMed 9536098 (cited by Labcorp Genetics (formerly Invitae), Labcorp).

NM_001042472.3(ABHD12):c.620-3C>T

Genes: ABHD12 (abhydrolase domain containing 12, lysophospholipase; minus strand), LOC126863008 (CDK7 strongly-dependent group 2 enhancer GRCh37_chr20:25289826-25291025; plus strand). Cytogenetic location: 20p11.21.
Variant type: single nucleotide variant.
Coding change: c.620-3C>T on transcript NM_001042472.3 (MANE Select); 3 bases into the intron before coding-DNA position 620, C replaced by T.
Molecular consequence: intron variant.
Genome position (GRCh38, 1-based): chr20:25,309,578, G>A on the plus strand (C>T on the coding strand, the complement: ABHD12 is on the minus strand). VCF-style: chr20-25309578-G-A. GRCh37 (hg19) VCF-style: chr20-25290214-G-A.
Other names: c.620-3C>T (NM_015600.5).
Identifiers: ClinVar variation 1934554 (VCV001934554.6), dbSNP rs375585952, ClinGen allele CA9796053.
Genomic context (GRCh38, chr20:25,309,578, plus strand): 5'-TGGAGTGCGTCATAGGTCATGCCCCGCTCAGATGGCGTTCCCACTGAGTCACCCCAACCT[G>A]GGAGGGAGAAACGGCAGGACGGGGAGGTCAAAGGCAGCTCACAAAACCTGGACAAACACA-3'